The following is an entry in ClinVar:

ClinVar aggregate classification (germline): Pathogenic/Likely pathogenic. Review status: criteria provided, multiple submitters, no conflicts (2 of 4 stars). 5 submissions from 5 submitters: Pathogenic (4); Likely pathogenic (1). Last evaluated 2025-10-10.

Conditions:
MPV17-related mitochondrial DNA maintenance defect. Also called: MPV17-Related Mitochondrial DNA Maintenance Syndrome. Identifiers: MedGen CN381055.
Mitochondrial DNA depletion syndrome, hepatocerebral form. Identifiers: Orphanet 254871, MedGen C3711385, MONDO:0100512.
Charcot-Marie-Tooth disease, axonal, type 2EE. Also called: CHARCOT-MARIE-TOOTH NEUROPATHY, TYPE 2EE. Identifiers: MedGen C5193076, MONDO:0032728, OMIM 618400.
Mitochondrial DNA depletion syndrome 6 (hepatocerebral type). Also called: Mitochondrial DNA depletion syndrome type 6; NAVAJO NEUROPATHY; Navajo neurohepatopathy. Identifiers: Orphanet 255229, MedGen C1850406, MONDO:0009747, OMIM 256810.

Allele frequency attached by ClinVar (database versions not stated): TOPMed below 0.00001; gnomAD exomes 0.00001.
gnomAD v4.1: 7 of 1,614,138 alleles (0.00043%); highest among the groups gnomAD compares: Non-Finnish European, 0.00059%; no homozygotes.

Submissions (5):

Natera, Inc.
Classification: Pathogenic for Mitochondrial DNA depletion syndrome, hepatocerebral form. Last evaluated: 2025-10-10. Review status: criteria provided, single submitter. Criteria: Natera Variant Classification Schema (03/2026). Collection method: clinical testing. Allele origin: germline.
Comment: The c.206G>A variant in MPV17 is a nonsense variant predicted to introduce a stop codon at amino acid 69. This variant is expected to result in nonsense mediated decay, truncation, or a dysfunctional protein product. This variant is rare in the general population with a frequency below the threshold expected for the associated phenotype(s). This variant has been observed in one or more individuals affected with the associated recessive disease, as either homozygous or compound heterozygous with a second variant (PMID: 17694548). Given the available evidence, this variant is classified as Pathogenic.

Labcorp Genetics (formerly Invitae), Labcorp
Classification: Pathogenic. Last evaluated: 2025-10-02. Review status: criteria provided, single submitter. Criteria: Invitae Variant Classification Sherloc (09022015). Collection method: clinical testing. Allele origin: germline.
Comment: This sequence change creates a premature translational stop signal (p.Trp69*) in the MPV17 gene. It is expected to result in an absent or disrupted protein product. Loss-of-function variants in MPV17 are known to be pathogenic (PMID: 23714749). This variant is present in population databases (rs267607261, gnomAD 0.002%). This premature translational stop signal has been observed in individual(s) with clinical features of mitochondrial DNA depletion syndrome (PMID: 17694548). ClinVar contains an entry for this variant (Variation ID: 38348). For these reasons, this variant has been classified as Pathogenic.

Baylor Genetics
Classification: Pathogenic for Charcot-Marie-Tooth disease, axonal, type 2EE. Last evaluated: 2023-12-31. Review status: criteria provided, single submitter. Criteria: ACMG Guidelines, 2015. Collection method: clinical testing. Allele origin: unknown.

SIB Swiss Institute of Bioinformatics
Classification: Likely pathogenic for Mitochondrial DNA depletion syndrome 6 (hepatocerebral type). Last evaluated: 2019-08-13. Review status: criteria provided, single submitter. Criteria: ACMG Guidelines, 2015. Collection method: curation. Allele origin: unknown.
Comment: This variant is interpreted as a Likely pathogenic for Mitochondrial DNA depletion syndrome 6, autosomal recessive. The following ACMG Tag(s) were applied: PM2, PVS1-strong.

Undiagnosed Diseases Network, NIH
Classification: Pathogenic for MPV17-related mitochondrial DNA maintenance defect. Last evaluated: 2018-09-05. Review status: criteria provided, single submitter. Criteria: ACMG Guidelines, 2015. Collection method: clinical testing. Allele origin: maternal. Inheritance: Autosomal recessive inheritance. Affected: yes. Observed: 1 variant allele, 1 compound heterozygote.

Literature cited by the submitters: PubMed 17694548 (cited by 3 submitters); PubMed 23714749 (cited by Labcorp Genetics (formerly Invitae), Labcorp).

NM_002437.5(MPV17):c.206G>A (p.Trp69Ter)

Gene: MPV17 (mitochondrial inner membrane protein MPV17; minus strand). Cytogenetic location: 2p23.3.
Variant type: single nucleotide variant.
Coding change: c.206G>A on transcript NM_002437.5 (MANE Select); coding-DNA position 206, G replaced by A.
Protein change: p.Trp69Ter; replaces tryptophan 69 with a stop codon.
Molecular consequence: nonsense.
Genome position (GRCh38, 1-based): chr2:27,312,753, C>T on the plus strand (G>A on the coding strand, the complement: MPV17 is on the minus strand). VCF-style: chr2-27312753-C-T. GRCh37 (hg19) VCF-style: chr2-27535620-C-T.
Other names: short protein forms W69*.
Identifiers: ClinVar variation 38348 (VCV000038348.20), dbSNP rs267607261, ClinGen allele CA342971.